The following is an entry in ClinVar:

NM_000179.3(MSH6):c.1572del (p.Thr523_Tyr524insTer)

Gene: MSH6 (mutS homolog 6; plus strand). Cytogenetic location: 2p16.3.
Variant type: Deletion.
Coding change: c.1572del on transcript NM_000179.3 (MANE Select); coding-DNA position 1572, one base deleted (C; older notation c.1572delC).
Protein change: p.Thr523_Tyr524insTer.
Molecular consequence: nonsense. On other transcripts: frameshift variant (35).
Genome position (GRCh38, 1-based): chr2:47,799,555, C deleted. VCF-style (leftmost placement, unchanged base first): chr2-47799554-AC-A. GRCh37 (hg19) VCF-style: chr2-48026693-AC-A.
Other names: c.1572delC, p.Tyr524Terfs (NM_001406796.1, NM_001406798.1, NM_001406800.1 and 4 more transcripts); c.1668delC, p.Tyr556Terfs (NM_001406795.1, NM_001406802.1); c.1275delC, p.Tyr425Terfs (NM_001406797.1, NM_001406827.1, NM_001406828.1 and 10 more transcripts); c.1182del, p.Thr393_Tyr394insTer (NM_001281492.2); c.666del, p.Thr221_Tyr222insTer (NM_001281493.2, NM_001281494.2); c.1404delC, p.Tyr468Terfs (NM_001406826.1); c.666delC, p.Tyr222Terfs (NM_001406829.1, NM_001406811.1, NM_001406812.1 and 4 more transcripts); c.1047delC, p.Tyr349Terfs (NM_001406799.1, NM_001406806.1, NM_001406807.1); and 2 more.
Identifiers: ClinVar variation 1775527 (VCV001775527.6), dbSNP rs2530617098, ClinGen allele CA2580067644.
Genomic context (GRCh38, chr2:47,799,554, plus strand): 5'-AGTATGATAGAGTGGTGAGGAGGGAGATCTGTAGGATCATTACCAAGGGTACACAGACTT[AC>A]AGTGTGCTGGAAGGTGATCCCTCTGAGAACTACAGTAAGTATCTTCTTAGCCTCAAAGAA-3'

ClinVar aggregate classification (germline): Pathogenic. Review status: criteria provided, multiple submitters, no conflicts (2 of 4 stars). 3 submissions from 3 submitters: Pathogenic (3). Last evaluated 2023-08-14.

Conditions:
Hereditary nonpolyposis colorectal neoplasms. Identifiers: MedGen C0009405, MeSH D003123.
Hereditary cancer-predisposing syndrome. Also called: Neoplastic Syndromes, Hereditary; Tumor predisposition; Hereditary Cancer Syndrome; Hereditary neoplastic syndrome. Identifiers: Orphanet 140162, MedGen C0027672, MeSH D009386, MONDO:0015356.
Lynch syndrome 5 (LYNCH5). Also called: Colorectal cancer, hereditary nonpolyposis, type 5; Hereditary non-polyposis colorectal cancer, type 5. Identifiers: Orphanet 144, MedGen C1833477, MONDO:0013710, OMIM 614350. Disease mechanism: loss of function.

Submissions (3):

Myriad Genetics, Inc.
Classification: Pathogenic for Lynch syndrome 5. Last evaluated: 2023-08-14. Review status: criteria provided, single submitter. Criteria: Myriad Autosomal Dominant, Autosomal Recessive and X-Linked Classification Criteria (2023). Collection method: clinical testing. Allele origin: unknown.
Comment: This variant is considered pathogenic. This variant creates a termination codon and is predicted to result in premature protein truncation.

Labcorp Genetics (formerly Invitae), Labcorp
Classification: Pathogenic for Hereditary nonpolyposis colorectal neoplasms. Last evaluated: 2022-12-24. Review status: criteria provided, single submitter. Criteria: Invitae Variant Classification Sherloc (09022015). Collection method: clinical testing. Allele origin: germline.
Comment: ClinVar contains an entry for this variant (Variation ID: 1775527). This variant has not been reported in the literature in individuals affected with MSH6-related conditions. This variant is not present in population databases (gnomAD no frequency). This sequence change creates a premature translational stop signal (p.Tyr524*) in the MSH6 gene. It is expected to result in an absent or disrupted protein product. Loss-of-function variants in MSH6 are known to be pathogenic (PMID: 18269114, 24362816). For these reasons, this variant has been classified as Pathogenic.

Ambry Genetics
Classification: Pathogenic for Hereditary cancer-predisposing syndrome. Last evaluated: 2021-03-18. Review status: criteria provided, single submitter. Criteria: Ambry Variant Classification Scheme 2023. Collection method: clinical testing. Allele origin: germline.
Comment: The c.1572delC pathogenic mutation, located in coding exon 4 of the MSH6 gene, results from a deletion of one nucleotide at nucleotide position 1572, causing a translational frameshift with a predicted alternate stop codon (p.Y524*). This alteration is expected to result in loss of function by premature protein truncation or nonsense-mediated mRNA decay. As such, this alteration is interpreted as a disease-causing mutation.

Literature cited by the submitters: PubMed 18269114 (cited by Labcorp Genetics (formerly Invitae), Labcorp); PubMed 24362816 (cited by Labcorp Genetics (formerly Invitae), Labcorp).